The following is an entry in ClinVar:

NM_001199107.2(TBC1D24):c.1482C>G (p.Thr494=)

Gene: TBC1D24 (TBC1 domain family member 24; plus strand). Cytogenetic location: 16p13.3.
Variant type: single nucleotide variant.
Coding change: c.1482C>G on transcript NM_001199107.2 (MANE Select); coding-DNA position 1482, C replaced by G.
Protein change: p.Thr494=; no amino-acid change (threonine 494 retained).
Molecular consequence: synonymous variant.
Genome position (GRCh38, 1-based): chr16:2,500,447, C>G. VCF-style: chr16-2500447-C-G. GRCh37 (hg19) VCF-style: chr16-2550448-C-G.
Other names: c.1464C>G, p.Thr488= (NM_020705.3).
Identifiers: ClinVar variation 384638 (VCV000384638.9), dbSNP rs373862230, ClinGen allele CA7844305.
Genomic context (GRCh38, chr16:2,500,447, plus strand): 5'-CCCCGCTGACCGCCTCTCGCCCTTCCTGGCCGCTCGCCACTTCAACCTGCCCTCCAAGAC[C>G]GAGTCCATGTTCATGGCGGGGGGCAGCGACTGCCTCATCGTCGGTGAGCGCCAGCAGACG-3'
Protein context (NP_001186036.1, residues 484-504): AARHFNLPSK[Thr494=]ESMFMAGGSD

ClinVar aggregate classification (germline): Likely benign. Review status: criteria provided, multiple submitters, no conflicts (2 of 4 stars). 2 submissions from 2 submitters: Likely benign (2). Last evaluated 2021-06-24.

Conditions:
Developmental and epileptic encephalopathy, 1 (DEE1). Also called: X-linked infantile spasms; West's syndrome; Tonic spasms with clustering, arrest of psychomotor development and hypsarrhythmia on EEG; X-Linked Infantile Spasm Syndrome; OHTAHARA SYNDROME, X-LINKED; INFANTILE SPASM SYNDROME, X-LINKED 1. Identifiers: MedGen C3463992, MONDO:0010632, OMIM 308350. Disease mechanism: loss of function.
Autosomal dominant nonsyndromic hearing loss 65. Also called: TBC1D24-Related Autosomal Dominant Nonsyndromic Hearing Loss (DFNA); Deafness, autosomal dominant 65. Identifiers: Orphanet 90635, MedGen C3892048, MONDO:0014470, OMIM 616044.

Allele frequency attached by ClinVar (database versions not stated): gnomAD 0.00003; TOPMed 0.00001.
gnomAD v4.1: 6 of 1,599,688 alleles (0.00038%); highest among the groups gnomAD compares: African/African-American, 0.0067%; no homozygotes.

Submissions (2):

Labcorp Genetics (formerly Invitae), Labcorp
Classification: Likely benign for Developmental and epileptic encephalopathy, 1; Autosomal dominant nonsyndromic hearing loss 65. Last evaluated: 2021-06-24. Review status: criteria provided, single submitter. Criteria: Invitae Variant Classification Sherloc (09022015). Collection method: clinical testing. Allele origin: germline.

GeneDx
Classification: Likely benign. Last evaluated: 2016-03-22. Review status: criteria provided, single submitter. Criteria: GeneDx Variant Classification (06012015). Collection method: clinical testing. Allele origin: germline. Affected: yes.
Comment: This variant is considered likely benign or benign based on one or more of the following criteria: it is a conservative change, it occurs at a poorly conserved position in the protein, it is predicted to be benign by multiple in silico algorithms, and/or has population frequency not consistent with disease.